The following is an entry in ClinVar:

ClinVar aggregate classification (germline): Uncertain significance (0 of 4 stars; one submission).

Conditions:
FREM1-related disorder. Also called: FREM1-Related Disorders; FREM1-related condition.

Allele frequency attached by ClinVar (database versions not stated): gnomAD exomes 0.00001; TOPMed 0.00002; ExAC 0.00003.
gnomAD v4.1: 14 of 1,606,008 alleles (0.00087%); highest among the groups gnomAD compares: Admixed American, 0.0017%; no homozygotes.

Submission:

PreventionGenetics, part of Exact Sciences
Classification: Uncertain significance for FREM1-related condition. Last evaluated: 2024-01-24. Review status: no assertion criteria provided. Collection method: clinical testing. Allele origin: germline.
Comment: The FREM1 c.3167C>A variant is predicted to result in the amino acid substitution p.Ala1056Glu. To our knowledge, this variant has not been reported in the literature. This variant is reported in 0.0030% of alleles in individuals of Latino descent in gnomAD. At this time, the clinical significance of this variant is uncertain due to the absence of conclusive functional and genetic evidence.

NM_001379081.2(FREM1):c.3167C>A (p.Ala1056Glu)

Gene: FREM1 (FRAS1 related extracellular matrix 1; minus strand). Cytogenetic location: 9p22.3.
Variant type: single nucleotide variant.
Coding change: c.3167C>A on transcript NM_001379081.2 (MANE Select); coding-DNA position 3167, C replaced by A.
Protein change: p.Ala1056Glu; replaces alanine 1056 with glutamic acid.
Molecular consequence: missense variant. On other transcripts: non-coding transcript variant (2).
Genome position (GRCh38, 1-based): chr9:14,806,768, G>T on the plus strand (C>A on the coding strand, the complement: FREM1 is on the minus strand). VCF-style: chr9-14806768-G-T. GRCh37 (hg19) VCF-style: chr9-14806766-G-T.
Other names: c.3167C>A, p.Ala1056Glu (NM_144966.7); short protein forms A1056E.
Identifiers: ClinVar variation 3029936 (VCV003029936.2), dbSNP rs758020797, ClinGen allele CA4990664.